The following is an entry in ClinVar:

ClinVar aggregate classification (germline): Uncertain significance (1 of 4 stars; one submission).

Conditions:
Schwartz-Jampel syndrome type 1 (SJS1). Also called: MYOTONIC MYOPATHY, DWARFISM, CHONDRODYSTROPHY, AND OCULAR AND FACIAL ABNORMALITIES; CHONDRODYSTROPHIC MYOTONIA. Identifiers: MedGen C4551479, MONDO:0100435, OMIM 255800.

gnomAD v4.1: 1 of 1,614,082 alleles (0.000062%); highest among the groups gnomAD compares: Non-Finnish European, 0.000085%; no homozygotes.

Submission:

Neuberg Centre For Genomic Medicine, NCGM
Classification: Uncertain significance for Schwartz-Jampel syndrome type 1. Last evaluated: 2024-02-01. Review status: criteria provided, single submitter. Criteria: ACMG Guidelines, 2015. Collection method: clinical testing. Allele origin: germline. Inheritance: Autosomal recessive inheritance.
Comment: The above variant has not been reported previously as a pathogenic variant nor as a benign variant, to our knowledge. For these reasons, this variant has been classified as Variant of Uncertain Significance (VUS)

NM_005529.7(HSPG2):c.2912C>T (p.Pro971Leu)

Gene: HSPG2 (heparan sulfate proteoglycan 2; minus strand). Cytogenetic location: 1p36.12.
Variant type: single nucleotide variant.
Coding change: c.2912C>T on transcript NM_005529.7 (MANE Select); coding-DNA position 2912, C replaced by T.
Protein change: p.Pro971Leu; replaces proline 971 with leucine.
Molecular consequence: missense variant.
Genome position (GRCh38, 1-based): chr1:21,876,320, G>A on the plus strand (C>T on the coding strand, the complement: HSPG2 is on the minus strand). VCF-style: chr1-21876320-G-A. GRCh37 (hg19) VCF-style: chr1-22202813-G-A.
Other names: c.2915C>T, p.Pro972Leu (NM_001291860.2); short protein forms P971L, P972L.
Identifiers: ClinVar variation 3897968 (VCV003897968.1).